The following is an entry in ClinVar:

ClinVar aggregate classification (germline): Uncertain significance (1 of 4 stars; one submission).

Submission:

Labcorp Genetics (formerly Invitae), Labcorp
Classification: Uncertain significance. Last evaluated: 2024-02-14. Review status: criteria provided, single submitter. Criteria: Invitae Variant Classification Sherloc (09022015). Collection method: clinical testing. Allele origin: germline.
Comment: This sequence change replaces isoleucine, which is neutral and non-polar, with valine, which is neutral and non-polar, at codon 1148 of the PHIP protein (p.Ile1148Val). This variant is not present in population databases (gnomAD no frequency). This variant has not been reported in the literature in individuals affected with PHIP-related conditions. Advanced modeling of protein sequence and biophysical properties (such as structural, functional, and spatial information, amino acid conservation, physicochemical variation, residue mobility, and thermodynamic stability) performed at Invitae indicates that this missense variant is not expected to disrupt PHIP protein function with a negative predictive value of 80%. In summary, the available evidence is currently insufficient to determine the role of this variant in disease. Therefore, it has been classified as a Variant of Uncertain Significance.

NM_017934.7(PHIP):c.3442A>G (p.Ile1148Val)

Genes: IRAK1BP1 (interleukin 1 receptor associated kinase 1 binding protein 1; plus strand), PHIP (PHIP subunit of CUL4-Ring ligase complex; minus strand). Cytogenetic location: 6q14.1.
Variant type: single nucleotide variant.
Coding change: c.3442A>G on transcript NM_017934.7 (MANE Select); coding-DNA position 3442, A replaced by G.
Protein change: p.Ile1148Val; replaces isoleucine 1148 with valine.
Molecular consequence: missense variant.
Genome position (GRCh38, 1-based): chr6:78,963,190, T>C on the plus strand (A>G on the coding strand, the complement: PHIP is on the minus strand). VCF-style: chr6-78963190-T-C. GRCh37 (hg19) VCF-style: chr6-79672907-T-C.
Other names: short protein forms I1148V.
Identifiers: ClinVar variation 3640686 (VCV003640686.2).